The following is an entry in ClinVar:

NM_000038.6(APC):c.1562C>A (p.Ser521Tyr)

Gene: APC (APC regulator of Wnt signaling pathway; plus strand). Cytogenetic location: 5q22.2.
Variant type: single nucleotide variant.
Coding change: c.1562C>A on transcript NM_000038.6 (MANE Select); coding-DNA position 1562, C replaced by A.
Protein change: p.Ser521Tyr; replaces serine 521 with tyrosine.
Molecular consequence: missense variant.
Genome position (GRCh38, 1-based): chr5:112,827,942, C>A. VCF-style: chr5-112827942-C-A. GRCh37 (hg19) VCF-style: chr5-112163639-C-A.
Other names: c.1562C>A, p.Ser521Tyr (NM_001127510.3, NM_001354895.2, NM_001407450.1); c.1508C>A, p.Ser503Tyr (NM_001127511.3); c.1616C>A, p.Ser539Tyr (NM_001354896.2, NM_001407447.1, NM_001407448.1 and 1 more transcripts); c.1592C>A, p.Ser531Tyr (NM_001354897.2); c.1487C>A, p.Ser496Tyr (NM_001354898.2); c.1478C>A, p.Ser493Tyr (NM_001354899.2); c.1439C>A, p.Ser480Tyr (NM_001354900.2); c.1385C>A, p.Ser462Tyr (NM_001354901.2, NM_001407453.1); and 11 more; short protein forms S392Y, S420Y, S480Y, S493Y, S521Y, S539Y, S395Y, S430Y.
Identifiers: ClinVar variation 2452704 (VCV002452704.2), dbSNP rs1554081882, ClinGen allele CA16024718.

ClinVar aggregate classification (germline): Uncertain significance (1 of 4 stars; one submission).

Conditions:
Hereditary cancer-predisposing syndrome. Also called: Neoplastic Syndromes, Hereditary; Tumor predisposition; Hereditary neoplastic syndrome; Hereditary Cancer Syndrome. Identifiers: Orphanet 140162, MedGen C0027672, MeSH D009386, MONDO:0015356.

Submission:

Ambry Genetics
Classification: Uncertain significance for Hereditary cancer-predisposing syndrome. Last evaluated: 2022-12-22. Review status: criteria provided, single submitter. Criteria: Ambry Variant Classification Scheme 2023. Collection method: clinical testing. Allele origin: germline.
Comment: The p.S521Y variant (also known as c.1562C>A), located in coding exon 12 of the APC gene, results from a C to A substitution at nucleotide position 1562. The serine at codon 521 is replaced by tyrosine, an amino acid with dissimilar properties. This amino acid position is conserved. In addition, in silico predictors for this gene do not accurately predict pathogenicity. Since supporting evidence is limited at this time, the clinical significance of this alteration remains unclear.